The following is an entry in ClinVar:

ClinVar aggregate classification (germline): Likely benign (1 of 4 stars; one submission).

gnomAD v4.1: 4,413 of 1,550,304 alleles (0.28%); highest among the groups gnomAD compares: South Asian, 0.41%; 15 homozygotes.

Submission:

CeGaT Center for Human Genetics Tuebingen
Classification: Likely benign. Last evaluated: 2026-05-01. Review status: criteria provided, single submitter. Criteria: CeGaT Center For Human Genetics Tuebingen Variant Classification Criteria Version 2. Collection method: clinical testing. Allele origin: germline. Affected: yes. Observed: 1 variant allele.
Comment: BTBD17: BS2

NM_001080466.2(BTBD17):c.491G>A (p.Gly164Glu)

Gene: BTBD17 (BTB domain containing 17; minus strand). Cytogenetic location: 17q25.1.
Variant type: single nucleotide variant.
Coding change: c.491G>A on transcript NM_001080466.2 (MANE Select); coding-DNA position 491, G replaced by A.
Protein change: p.Gly164Glu; replaces glycine 164 with glutamic acid.
Molecular consequence: missense variant.
Genome position (GRCh38, 1-based): chr17:74,357,603, C>T on the plus strand (G>A on the coding strand, the complement: BTBD17 is on the minus strand). VCF-style: chr17-74357603-C-T. GRCh37 (hg19) VCF-style: chr17-72353742-C-T.
Other names: short protein forms G164E.
Identifiers: ClinVar variation 4872031 (VCV004872031.2).